The following is an entry in ClinVar:

NM_001256789.3(CACNA1F):c.827C>T (p.Ala276Val)

Gene: CACNA1F (calcium voltage-gated channel subunit alpha1 F; minus strand). Cytogenetic location: Xp11.23.
Variant type: single nucleotide variant.
Coding change: c.827C>T on transcript NM_001256789.3 (MANE Select); coding-DNA position 827, C replaced by T.
Protein change: p.Ala276Val; replaces alanine 276 with valine.
Molecular consequence: missense variant.
Genome position (GRCh38, 1-based): chrX:49,228,438, G>A on the plus strand (C>T on the coding strand, the complement: CACNA1F is on the minus strand). VCF-style: chrX-49228438-G-A. GRCh37 (hg19) VCF-style: chrX-49084900-G-A.
Other names: c.632C>T, p.Ala211Val (NM_001256790.3); c.827C>T, p.Ala276Val (NM_005183.4); short protein forms A276V, A211V.
Identifiers: ClinVar variation 738504 (VCV000738504.14), dbSNP rs184711457, ClinGen allele CA10411009.

ClinVar aggregate classification (germline): Benign/Likely benign. Review status: criteria provided, multiple submitters, no conflicts (2 of 4 stars). 3 submissions from 3 submitters: Benign (1); Likely benign (1). 1 of the submissions does not count toward it. Last evaluated 2026-01-12.

Conditions:
CACNA1F-related disorder. Also called: CACNA1F-related condition.

Allele frequency attached by ClinVar (database versions not stated): gnomAD exomes 0.00048 and 0.00082; ExAC 0.00118; 1000 Genomes Project 30x 0.00125; 1000 Genomes Project 0.00132; TOPMed 0.00146.

Submissions (3):

Labcorp Genetics (formerly Invitae), Labcorp
Classification: Benign. Last evaluated: 2026-01-12. Review status: criteria provided, single submitter. Criteria: Invitae Variant Classification Sherloc (09022015). Collection method: clinical testing. Allele origin: germline.

Blueprint Genetics
Classification: Likely benign. Last evaluated: 2024-09-19. Review status: criteria provided, single submitter. Criteria: ACMG Guidelines, 2015. Collection method: clinical testing. Allele origin: germline.

PreventionGenetics, part of Exact Sciences
Classification: Benign for CACNA1F-related condition. Last evaluated: 2020-07-09. Review status: no assertion criteria provided. Collection method: clinical testing. Allele origin: germline. Not counted in ClinVar's aggregate classification.
Comment: This variant is classified as benign based on ACMG/AMP sequence variant interpretation guidelines (Richards et al. 2015 PMID: 25741868, with internal and published modifications).